The following is an entry in ClinVar:

NM_005585.5(SMAD6):c.47G>A (p.Ser16Asn)

Gene: SMAD6 (SMAD family member 6; plus strand). Cytogenetic location: 15q22.31.
Variant type: single nucleotide variant.
Coding change: c.47G>A on transcript NM_005585.5 (MANE Select); coding-DNA position 47, G replaced by A.
Protein change: p.Ser16Asn; replaces serine 16 with asparagine.
Molecular consequence: missense variant. On other transcripts: non-coding transcript variant (1).
Genome position (GRCh38, 1-based): chr15:66,703,305, G>A. VCF-style: chr15-66703305-G-A. GRCh37 (hg19) VCF-style: chr15-66995643-G-A.
Other names: short protein forms S16N.
Identifiers: ClinVar variation 3320642 (VCV003320642.3).

ClinVar aggregate classification (germline): Uncertain significance. Review status: criteria provided, multiple submitters, no conflicts (2 of 4 stars). 2 submissions from 2 submitters: Uncertain significance (2). Last evaluated 2024-12-30.

Conditions:
Inborn genetic diseases. Identifiers: MedGen C0950123, MeSH D030342.
Aortic valve disease 2 (AOVD2). Identifiers: MedGen C3542024, MONDO:0013902, OMIM 614823.

gnomAD v4.1: 9 of 1,491,326 alleles (0.0006%); highest among the groups gnomAD compares: Non-Finnish European, 0.00036%; no homozygotes.

Submissions (2):

Labcorp Genetics (formerly Invitae), Labcorp
Classification: Uncertain significance for Aortic valve disease 2. Last evaluated: 2024-12-30. Review status: criteria provided, single submitter. Criteria: Invitae Variant Classification Sherloc (09022015). Collection method: clinical testing. Allele origin: germline.
Comment: This sequence change replaces serine, which is neutral and polar, with asparagine, which is neutral and polar, at codon 16 of the SMAD6 protein (p.Ser16Asn). The frequency data for this variant in the population databases is considered unreliable, as metrics indicate poor data quality at this position in the gnomAD database. This variant has not been reported in the literature in individuals affected with SMAD6-related conditions. An algorithm developed to predict the effect of missense changes on protein structure and function (PolyPhen-2) suggests that this variant is likely to be disruptive. In summary, the available evidence is currently insufficient to determine the role of this variant in disease. Therefore, it has been classified as a Variant of Uncertain Significance.

Ambry Genetics
Classification: Uncertain significance for Inborn genetic diseases. Last evaluated: 2024-03-24. Review status: criteria provided, single submitter. Criteria: Ambry Variant Classification Scheme 2023. Collection method: clinical testing. Allele origin: germline.
Comment: The p.S16N variant (also known as c.47G>A), located in coding exon 1 of the SMAD6 gene, results from a G to A substitution at nucleotide position 47. The serine at codon 16 is replaced by asparagine, an amino acid with highly similar properties. This amino acid position is conserved. In addition, this alteration is predicted to be tolerated by in silico analysis. Based on the available evidence, the clinical significance of this alteration remains unclear.